The following is an entry in ClinVar:

NM_001135651.3(EIF2AK2):c.1559C>T (p.Ser520Leu)

Gene: EIF2AK2 (eukaryotic translation initiation factor 2 alpha kinase 2; minus strand). Cytogenetic location: 2p22.2.
Variant type: single nucleotide variant.
Coding change: c.1559C>T on transcript NM_001135651.3 (MANE Select); coding-DNA position 1559, C replaced by T.
Protein change: p.Ser520Leu; replaces serine 520 with leucine.
Molecular consequence: missense variant.
Genome position (GRCh38, 1-based): chr2:37,107,370, G>A on the plus strand (C>T on the coding strand, the complement: EIF2AK2 is on the minus strand). VCF-style: chr2-37107370-G-A. GRCh37 (hg19) VCF-style: chr2-37334513-G-A.
Other names: c.1436C>T, p.Ser479Leu (NM_001135652.3); c.1559C>T, p.Ser520Leu (NM_002759.4); short protein forms S479L, S520L.
Identifiers: ClinVar variation 3061314 (VCV003061314.2), dbSNP rs2466895698, ClinGen allele CA346295059.
Genomic context (GRCh38, chr2:37,107,370, plus strand): 5'-TTCCACACAGTCAAGGTCCTTAGTATTTCAGATGTGTTAGGTCGATCCTCAGGTTTCTTT[G>A]AGAGTAATTTCTGTAGAAGAGTTTTCTGCAATGACAGTGAGAGTCAATAGTAAGAAATAA-3'
Protein context (NP_001129123.1, residues 510-530): KEKTLLQKLL[Ser520Leu]KKPEDRPNTS

ClinVar aggregate classification (germline): Uncertain significance (0 of 4 stars; one submission).

Conditions:
EIF2AK2-related disorder. Also called: EIF2AK2-related condition.

Allele frequency attached by ClinVar (database versions not stated): gnomAD exomes below 0.00001.
gnomAD v4.1: 1 of 1,613,844 alleles (0.000062%); highest among the groups gnomAD compares: Non-Finnish European, 0.000085%; no homozygotes.

Submission:

PreventionGenetics, part of Exact Sciences
Classification: Uncertain significance for EIF2AK2-related condition. Last evaluated: 2024-01-23. Review status: no assertion criteria provided. Collection method: clinical testing. Allele origin: germline.
Comment: The EIF2AK2 c.1559C>T variant is predicted to result in the amino acid substitution p.Ser520Leu. To our knowledge, this variant has not been reported in the literature or in a large population database, indicating this variant is rare. At this time, the clinical significance of this variant is uncertain due to the absence of conclusive functional and genetic evidence.